The following is an entry in ClinVar:

NM_001365536.1(SCN9A):c.688+9T>C

Gene: SCN9A (sodium voltage-gated channel alpha subunit 9; minus strand). Cytogenetic location: 2q24.3.
Variant type: single nucleotide variant.
Coding change: c.688+9T>C on transcript NM_001365536.1 (MANE Select); 9 bases into the intron after coding-DNA position 688, T replaced by C.
Molecular consequence: intron variant.
Genome position (GRCh38, 1-based): chr2:166,304,229, A>G on the plus strand (T>C on the coding strand, the complement: SCN9A is on the minus strand). VCF-style: chr2-166304229-A-G. GRCh37 (hg19) VCF-style: chr2-167160739-A-G.
Other names: c.688+9T>C (NM_002977.4).
Identifiers: ClinVar variation 198152 (VCV000198152.19), dbSNP rs188814235, ClinGen allele CA246665.

ClinVar aggregate classification (germline): Conflicting classifications of pathogenicity. Review status: criteria provided, conflicting classifications (1 of 4 stars). 5 submissions from 5 submitters: Uncertain significance (1); Benign (1); Likely benign (2). 1 of the submissions does not count toward it. Last evaluated 2026-01-16.

Conditions:
SCN9A-related disorder. Also called: SCN9A-related disorders; SCN9A-related condition.
Generalized epilepsy with febrile seizures plus, type 7 (GEFSP7). Also called: GEFS+, TYPE 7. Identifiers: Orphanet 36387, MedGen C2751778, MONDO:0013470, OMIM 613863.
Neuropathy, hereditary sensory and autonomic, type 2A (HSAN2A). Also called: HSAN IIA; ACROOSTEOLYSIS, GIACCAI TYPE; ACROOSTEOLYSIS, NEUROGENIC; MORVAN DISEASE; NEUROPATHY, CONGENITAL SENSORY; NEUROPATHY, HEREDITARY SENSORY RADICULAR, AUTOSOMAL RECESSIVE. Identifiers: Orphanet 970, MedGen C2752089, MONDO:0024309, OMIM 201300.

Allele frequency attached by ClinVar (database versions not stated): gnomAD exomes 0.00007 and 0.00019; ExAC 0.00024; 1000 Genomes Project 0.00060; 1000 Genomes Project 30x 0.00062; gnomAD 0.00068 and 0.00076; TOPMed 0.00073; ESP Exome Variant Server 0.00085.
gnomAD v4.1: 219 of 1,612,418 alleles (0.014%); highest among the groups gnomAD compares: African/African-American, 0.26%; 1 homozygote.

Submissions (5):

Labcorp Genetics (formerly Invitae), Labcorp
Classification: Benign for Neuropathy, hereditary sensory and autonomic, type 2A; Generalized epilepsy with febrile seizures plus, type 7. Last evaluated: 2026-01-16. Review status: criteria provided, single submitter. Criteria: Invitae Variant Classification Sherloc (09022015). Collection method: clinical testing. Allele origin: germline.

Blueprint Genetics
Classification: Likely benign. Last evaluated: 2024-07-05. Review status: criteria provided, single submitter. Criteria: ACMG Guidelines, 2015. Collection method: clinical testing. Allele origin: germline.

Women's Health and Genetics/Laboratory Corporation of America, LabCorp
Classification: Likely benign. Last evaluated: 2023-08-04. Review status: criteria provided, single submitter. Criteria: LabCorp Variant Classification Summary - May 2015. Collection method: clinical testing. Allele origin: germline.
Comment: Variant summary: SCN9A c.688+9T>C alters a conserved nucleotide located close to a canonical splice site and therefore could affect mRNA splicing, leading to a significantly altered protein sequence. 4/4 computational tools predict no significant impact on normal splicing. However, these predictions have yet to be confirmed by functional studies. The variant allele was found at a frequency of 0.00019 in 249596 control chromosomes, predominantly at a frequency of 0.0026 within the African or African-American subpopulation in the gnomAD database. To our knowledge, no occurrence of c.688+9T>C in individuals affected with Primary Erythromelalgia and no experimental evidence demonstrating its impact on protein function have been reported. Two submitters have cited clinical-significance assessments for this variant to ClinVar after 2014. One submitter classified the variant as benign, and one submitter classified the variant as uncertain significance. Based on the evidence outlined above, the variant was classified as likely benign.

Eurofins Ntd Llc (ga)
Classification: Uncertain significance. Last evaluated: 2017-04-17. Review status: criteria provided, single submitter. Criteria: EGL Classification Definitions 2015. Collection method: clinical testing. Allele origin: germline. Observed: 2 variant alleles, 2 heterozygotes.

PreventionGenetics, part of Exact Sciences
Classification: Likely benign for SCN9A-related condition. Last evaluated: 2019-06-07. Review status: no assertion criteria provided. Collection method: clinical testing. Allele origin: germline. Not counted in ClinVar's aggregate classification.
Comment: This variant is classified as likely benign based on ACMG/AMP sequence variant interpretation guidelines (Richards et al. 2015 PMID: 25741868, with internal and published modifications).